The following is an entry in ClinVar:

NM_014244.5(ADAMTS2):c.423_424del (p.Lys143fs)

Gene: ADAMTS2 (ADAM metallopeptidase with thrombospondin type 1 motif 2; minus strand). Cytogenetic location: 5q35.3.
Variant type: Deletion.
Coding change: c.423_424del on transcript NM_014244.5 (MANE Select); coding-DNA positions 423 to 424, 2 bases deleted (CG; older notation c.423_424delCG).
Protein change: p.Lys143fs; shifts the reading frame from lysine 143.
Molecular consequence: frameshift variant.
Genome position (GRCh38, 1-based): chr5:179,343,877-179,343,878, CG deleted on the plus strand (CG on the coding strand, the reverse complement: ADAMTS2 is on the minus strand); deleting any 2 consecutive bases within chr5:179,343,877-179,343,879 gives the same sequence; the c. name uses the placement nearest the transcript's 3' end. VCF-style (leftmost placement, unchanged base first): chr5-179343876-TCG-T. GRCh37 (hg19) VCF-style: chr5-178770877-TCG-T.
Other names: c.423_424del, p.Lys143fs (NM_021599.4); short protein forms K143fs.
Identifiers: ClinVar variation 5012589 (VCV005012589.1).

ClinVar aggregate classification (germline): Pathogenic (1 of 4 stars; one submission).

Conditions:
Ehlers-Danlos syndrome, dermatosparaxis type. Also called: EDS VIIC; Dermatosparaxis; Ehlers-Danlos syndrome, type VII, autosomal recessive. Identifiers: Orphanet 1901, MedGen C2700425, MONDO:0009161, OMIM 225410.

Submission:

Myriad Genetics, Inc.
Classification: Pathogenic for Ehlers-Danlos syndrome, dermatosparaxis type. Last evaluated: 2023-12-19. Review status: criteria provided, single submitter. Criteria: Myriad Autosomal Dominant, Autosomal Recessive and X-Linked Classification Criteria (2023). Collection method: clinical testing. Allele origin: unknown.
Comment: NM_014244.4(ADAMTS2):c.423_424delCG(K143Gfs*61) is expected to be pathogenic in the context of Ehlers-Danlos syndrome, ADAMTS2-related. This variant is predicted to lead to an abnormal or absent protein product due to the creation of a premature termination codon in ADAMTS2, a gene where loss-of-function variants are known to be pathogenic. Please note: this variant was assessed in the context of healthy population screening.